The following is an entry in ClinVar:

NM_199242.3(UNC13D):c.114G>A (p.Pro38=)

Gene: UNC13D (unc-13 homolog D; minus strand). Cytogenetic location: 17q25.1.
Variant type: single nucleotide variant.
Coding change: c.114G>A on transcript NM_199242.3 (MANE Select); coding-DNA position 114, G replaced by A.
Protein change: p.Pro38=; no amino-acid change (proline 38 retained).
Molecular consequence: synonymous variant.
Genome position (GRCh38, 1-based): chr17:75,844,224, C>T on the plus strand (G>A on the coding strand, the complement: UNC13D is on the minus strand). VCF-style: chr17-75844224-C-T. GRCh37 (hg19) VCF-style: chr17-73840305-C-T.
Identifiers: ClinVar variation 721239 (VCV000721239.24), dbSNP rs755103812, ClinGen allele CA8773670.

ClinVar aggregate classification (germline): Conflicting classifications of pathogenicity. Review status: criteria provided, conflicting classifications (1 of 4 stars). 6 submissions from 6 submitters: Uncertain significance (3); Likely benign (2). 1 of the submissions does not count toward it. Last evaluated 2026-01-28.

Conditions:
Autoinflammatory syndrome. Identifiers: Orphanet 93665, MedGen C3890737, MONDO:0019751.
UNC13D-related disorder. Also called: UNC13D-related condition.
Familial hemophagocytic lymphohistiocytosis 3 (FHL3). Also called: UNC13D-Related Familial Hemophagocytic Lymphohistiocytosis (UNC13D-fHLH). Identifiers: Orphanet 540, MedGen C1837174, MONDO:0012146, OMIM 608898.

Allele frequency attached by ClinVar (database versions not stated): gnomAD 0.00019; ExAC 0.00023; gnomAD exomes 0.00025 and 0.00030; TOPMed 0.00026.
gnomAD v4.1: 465 of 1,611,570 alleles (0.029%); highest among the groups gnomAD compares: Non-Finnish European, 0.032%; 1 homozygote.

Submissions (6):

Labcorp Genetics (formerly Invitae), Labcorp
Classification: Likely benign for Familial hemophagocytic lymphohistiocytosis 3. Last evaluated: 2026-01-28. Review status: criteria provided, single submitter. Criteria: Invitae Variant Classification Sherloc (09022015). Collection method: clinical testing. Allele origin: germline.

Blueprint Genetics
Classification: Uncertain significance. Last evaluated: 2024-11-22. Review status: criteria provided, single submitter. Criteria: ACMG Guidelines, 2015. Collection method: clinical testing. Allele origin: germline.

Genetic Services Laboratory, University of Chicago
Classification: Likely benign. Last evaluated: 2021-12-02. Review status: criteria provided, single submitter. Criteria: ACMG Guidelines, 2015. Collection method: clinical testing. Allele origin: germline. Affected: no.

Genome Diagnostics Laboratory, The Hospital for Sick Children
Classification: Uncertain significance for Autoinflammatory syndrome. Last evaluated: 2020-08-21. Review status: criteria provided, single submitter. Criteria: ACMG Guidelines, 2015. Collection method: clinical testing. Allele origin: germline. Affected: yes.

Illumina Laboratory Services, Illumina
Classification: Uncertain significance for Familial hemophagocytic lymphohistiocytosis 3. Last evaluated: 2018-01-13. Review status: criteria provided, single submitter. Criteria: ICSL Variant Classification Criteria 13 December 2019. Collection method: clinical testing. Allele origin: germline.

PreventionGenetics, part of Exact Sciences
Classification: Likely benign for UNC13D-related condition. Last evaluated: 2019-04-30. Review status: no assertion criteria provided. Collection method: clinical testing. Allele origin: germline. Not counted in ClinVar's aggregate classification.
Comment: This variant is classified as likely benign based on ACMG/AMP sequence variant interpretation guidelines (Richards et al. 2015 PMID: 25741868, with internal and published modifications).